The following is an entry in ClinVar:

NM_001166108.2(PALLD):c.1438G>A (p.Glu480Lys)

Gene: PALLD (palladin, cytoskeletal associated protein; plus strand). Cytogenetic location: 4q32.3.
Variant type: single nucleotide variant.
Coding change: c.1438G>A on transcript NM_001166108.2 (MANE Select); coding-DNA position 1438, G replaced by A.
Protein change: p.Glu480Lys; replaces glutamic acid 480 with lysine.
Molecular consequence: missense variant.
Genome position (GRCh38, 1-based): chr4:168,690,705, G>A. VCF-style: chr4-168690705-G-A. GRCh37 (hg19) VCF-style: chr4-169611856-G-A.
Other names: c.292G>A, p.Glu98Lys (NM_001166109.2); c.1438G>A, p.Glu480Lys (NM_016081.4); short protein forms E480K, E98K.
Identifiers: ClinVar variation 3413552 (VCV003413552.1).

ClinVar aggregate classification (germline): Uncertain significance (1 of 4 stars; one submission).

gnomAD v4.1: 1 of 1,614,186 alleles (0.000062%); highest among the groups gnomAD compares: East Asian, 0.0022%; no homozygotes.

Submission:

Ambry Genetics
Classification: Uncertain significance. Last evaluated: 2024-09-23. Review status: criteria provided, single submitter. Criteria: Ambry Variant Classification Scheme 2023. Collection method: clinical testing. Allele origin: germline.
Comment: The p.E480K variant (also known as c.1438G>A), located in coding exon 6 of the PALLD gene, results from a G to A substitution at nucleotide position 1438. The glutamic acid at codon 480 is replaced by lysine, an amino acid with similar properties. This amino acid position is conserved. In addition, the in silico prediction for this alteration is inconclusive. Based on the available evidence, the clinical significance of this variant remains unclear.